The following is an entry in ClinVar:

ClinVar aggregate classification (germline): Pathogenic/Likely pathogenic. Review status: criteria provided, multiple submitters, no conflicts (2 of 4 stars). 7 submissions from 6 submitters: Pathogenic (4); Likely pathogenic (2). 1 of the submissions does not count toward it. Last evaluated 2024-05-15.

Conditions:
GP1BA-related disorders.
Pseudo von Willebrand disease (VWDP). Also called: BLEEDING DISORDER, PLATELET-TYPE, 3; Platelet-type von Willebrand disease. Identifiers: Orphanet 52530, MedGen C1280798, MONDO:0008332, OMIM 177820.
Impaired ristocetin-induced platelet aggregation. Identifiers: MedGen C4023154, HP:0011871.
Thrombocytopenia. Identifiers: MedGen C0040034, MeSH D013921, MONDO:0002049, HP:0001873.

Submissions (7):

Mayo Clinic Laboratories, Mayo Clinic
Classification: Pathogenic. Last evaluated: 2024-05-15. Review status: criteria provided, single submitter. Criteria: ACMG Guidelines, 2015. Collection method: clinical testing. Allele origin: germline. Observed: 1 variant allele.
Comment: PP1_strong, PP5, PM1_supporting, PM2_moderate, PS2, PS4_moderate

Blueprint Genetics
Classification: Pathogenic for GP1BA-related disorders. Last evaluated: 2023-10-04. Review status: criteria provided, single submitter. Criteria: ACMG Guidelines, 2015. Collection method: clinical testing. Allele origin: germline. Affected: yes. Observed: 1 variant allele.

ARUP Laboratories, Molecular Genetics and Genomics, ARUP Laboratories
Classification: Pathogenic. Last evaluated: 2021-07-16. Review status: criteria provided, single submitter. Criteria: ARUP Molecular Germline Variant Investigation Process 2021. Collection method: clinical testing. Allele origin: germline.
Comment: The GP1BA c.763A>G; p.Met255Val variant (rs121908064), also known as Met239Val in alternate nomenclature, is reported in the literature in multiple individuals affected with pseudo-von Willebrand disease, also called platelet-type von Willebrand disease (Desai 2015, Giannini 2010, Kunishima 1997, Russell 1993, Takahashi 1995). This variant was observed to co-segregate with disease in several small kindreds (Russell 1993, Takahashi 1995) and was confirmed to have arisen de novo in another family (Kunishima 1997). The p.Met255Val variant is absent from general population databases (Exome Variant Server, Genome Aggregation Database), indicating it is not a common polymorphism. The methionine at codon 255 is weakly conserved, and computational analyses are uncertain whether this variant is neutral or deleterious (REVEL: 0.308). However, functional analyses of patient megakaryocytes with this variant exhibit increased binding to von Willebrand factor (Bury 2019). Based on available information, this variant is considered to be pathogenic. References: Bury L et al. Mechanisms of thrombocytopenia in platelet-type von Willebrand disease. Haematologica. 2019 Jul;104(7):1473-1481. PMID: 30655369. Desai DS et al. Elderly female with a personal and family history of a bleeding disorder. Clin Chem. 2015 Jul;61(7):909-12. PMID: 26116638. Giannini S et al. Diagnosis of platelet-type von Willebrand disease by flow cytometry. Haematologica. 2010 Jun;95(6):1021-4. PMID: 19951970. Kunishima S et al. De novo mutation of the platelet glycoprotein Ib alpha gene in a patient with pseudo-von Willebrand disease. Blood Coagul Fibrinolysis. 1997 Jul;8(5):311-5. PMID: 9282797. Russell SD and Roth GJ. Pseudo-von Willebrand disease: a mutation in the platelet glycoprotein Ib alpha gene associated with a hyperactive surface receptor. Blood. 1993 Apr 1;81(7):1787-91. PMID: 8384898. Takahashi H et al. Substitution of Val for Met at residue 239 of platelet glycoprotein Ib alpha in Japanese patients with platelet-type von Willebrand disease. Blood. 1995 Feb 1;85(3):727-33. PMID: 7833477.

NIHR Bioresource Rare Diseases, University of Cambridge
Classification: Likely pathogenic for Thrombocytopenia. Last evaluated: 2019-02-01. Review status: criteria provided, single submitter. Criteria: ACMG Guidelines, 2015. Collection method: research. Allele origin: unknown. Affected: yes. Observed: 1 heterozygote. Study: ThromboGenomics.

NIHR Bioresource Rare Diseases, University of Cambridge
Classification: Likely pathogenic for Impaired ristocetin-induced platelet aggregation. Last evaluated: 2019-02-01. Review status: criteria provided, single submitter. Criteria: ACMG Guidelines, 2015. Collection method: research. Allele origin: unknown. Affected: yes. Observed: 1 heterozygote. Study: ThromboGenomics.

ISTH-SSC Genomics in Thrombosis and Hemostasis, KU Leuven, Center for Molecular and Vascular Biology
Classification: Pathogenic for Pseudo von Willebrand disease. Review status: criteria provided, single submitter. Criteria: ACMG Guidelines, 2015. Collection method: clinical testing. Allele origin: de novo, unknown, paternal. Affected: yes. Observed: 12 heterozygotes.
Comment: GoldVariant submitters: Loredana Bury, University of Perugia, Department of Medicine and Surgery, Centre for Hemostasis and Thrombosis, Italy; Maha Othman for Seattle Institute for Biomedical and Clinical Research, Seattle, USA; Hemophilia Treatment Center, North Shore Long Island Jewish Health System, Cohen Children’s, Long Island, USA and Niigata University School of Medicine, Niigata, Japan

OMIM
Classification: Pathogenic for VON WILLEBRAND DISEASE, PLATELET-TYPE. Last evaluated: 1993-04-01. Review status: no assertion criteria provided. Collection method: literature only. Allele origin: germline. Not counted in ClinVar's aggregate classification.

Literature cited by the submitters: PubMed 19951970 (cited by Mayo Clinic Laboratories, Mayo Clinic); PubMed 26116638 (cited by Mayo Clinic Laboratories, Mayo Clinic); PubMed 30655369 (cited by Mayo Clinic Laboratories, Mayo Clinic); PubMed 31064749 (cited by Mayo Clinic Laboratories, Mayo Clinic and NIHR Bioresource Rare Diseases, University of Cambridge); PubMed 7833477 (cited by Mayo Clinic Laboratories, Mayo Clinic); PubMed 8384898 (cited by 3 submitters); PubMed 9282797 (cited by Mayo Clinic Laboratories, Mayo Clinic); PubMed 34355501 (cited by ISTH-SSC Genomics in Thrombosis and Hemostasis, KU Leuven, Center for Molecular and Vascular Biology).

NM_000173.7(GP1BA):c.763A>G (p.Met255Val)

Gene: GP1BA (glycoprotein Ib platelet subunit alpha; plus strand). Cytogenetic location: 17p13.2.
Variant type: single nucleotide variant.
Coding change: c.763A>G on transcript NM_000173.7 (MANE Select); coding-DNA position 763, A replaced by G.
Protein change: p.Met255Val; replaces methionine 255 with valine.
Molecular consequence: missense variant.
Genome position (GRCh38, 1-based): chr17:4,933,367, A>G. VCF-style: chr17-4933367-A-G. GRCh37 (hg19) VCF-style: chr17-4836662-A-G.
Other names: M239V; short protein forms M255V.
Identifiers: ClinVar variation 4155 (VCV000004155.14), dbSNP rs121908064, ClinGen allele CA116661.
Genomic context (GRCh38, chr17:4,933,367, plus strand): 5'-TGGCTGCAGGACAATGCTGAAAATGTCTACGTATGGAAGCAAGGTGTGGACGTCAAGGCC[A>G]TGACCTCTAACGTGGCCAGTGTGCAGTGTGACAATTCAGACAAGTTTCCCGTCTACAAAT-3'
Protein context (NP_000164.5, residues 245-265): VWKQGVDVKA[Met255Val]TSNVASVQCD